The following is an entry in ClinVar:

NM_006393.3(NEBL):c.1366A>G (p.Ile456Val)

Gene: NEBL (nebulette; minus strand). Cytogenetic location: 10p12.31.
Variant type: single nucleotide variant.
Coding change: c.1366A>G on transcript NM_006393.3 (MANE Select); coding-DNA position 1366, A replaced by G.
Protein change: p.Ile456Val; replaces isoleucine 456 with valine.
Molecular consequence: missense variant. On other transcripts: intron variant (9).
Genome position (GRCh38, 1-based): chr10:20,835,596, T>C on the plus strand (A>G on the coding strand, the complement: NEBL is on the minus strand). VCF-style: chr10-20835596-T-C. GRCh37 (hg19) VCF-style: chr10-21124525-T-C.
Other names: c.250-22656A>G (NM_001377326.1, NM_001377327.1, NM_001377328.1); c.358-22656A>G (NM_213569.2, NM_001173484.2, NM_001377322.1); c.301-22656A>G (NM_001377324.1); c.292-22656A>G (NM_001377325.1); c.310-22656A>G (NM_001377323.1); short protein forms I456V.
Identifiers: ClinVar variation 845171 (VCV000845171.11), dbSNP rs144402571, ClinGen allele CA5432890.

ClinVar aggregate classification (germline): Uncertain significance. Review status: criteria provided, multiple submitters, no conflicts (2 of 4 stars). 2 submissions from 2 submitters: Uncertain significance (2). Last evaluated 2024-10-05.

Conditions:
Primary dilated cardiomyopathy (DCM). Also called: Dilated Cardiomyopathy. Identifiers: Orphanet 217604, MedGen C0007193, MeSH D002311, MONDO:0005021, HP:0001644. Inheritance: Various modes of inheritance.

Allele frequency attached by ClinVar (database versions not stated): 1000 Genomes Project 30x 0.00016; gnomAD exomes 0.00003 and 0.00002; ExAC 0.00004; gnomAD 0.00007; ESP Exome Variant Server 0.00015; 1000 Genomes Project 0.00020; TOPMed 0.00006.
gnomAD v4.1: 49 of 1,611,506 alleles (0.003%); highest among the groups gnomAD compares: African/African-American, 0.039%; no homozygotes.

Submissions (2):

Labcorp Genetics (formerly Invitae), Labcorp
Classification: Uncertain significance for Primary dilated cardiomyopathy. Last evaluated: 2024-10-05. Review status: criteria provided, single submitter. Criteria: Invitae Variant Classification Sherloc (09022015). Collection method: clinical testing. Allele origin: germline.
Comment: This sequence change replaces isoleucine, which is neutral and non-polar, with valine, which is neutral and non-polar, at codon 456 of the NEBL protein (p.Ile456Val). This variant is present in population databases (rs144402571, gnomAD 0.01%). This variant has not been reported in the literature in individuals affected with NEBL-related conditions. ClinVar contains an entry for this variant (Variation ID: 845171). An algorithm developed to predict the effect of missense changes on protein structure and function outputs the following: PolyPhen-2: "Benign". The valine amino acid residue is found in multiple mammalian species, which suggests that this missense change does not adversely affect protein function. In summary, the available evidence is currently insufficient to determine the role of this variant in disease. Therefore, it has been classified as a Variant of Uncertain Significance.

Ambry Genetics
Classification: Uncertain significance. Last evaluated: 2021-10-12. Review status: criteria provided, single submitter. Criteria: Ambry Variant Classification Scheme 2023. Collection method: clinical testing. Allele origin: germline.